The following is an entry in ClinVar:

ClinVar aggregate classification (germline): Pathogenic (1 of 4 stars; one submission).

Conditions:
Spastic paraplegia. Identifiers: MedGen C0037772, HP:0001258.

Allele frequency attached by ClinVar (database versions not stated): gnomAD exomes 0.00001.

Submission:

Labcorp Genetics (formerly Invitae), Labcorp
Classification: Pathogenic for Spastic paraplegia. Last evaluated: 2023-08-16. Review status: criteria provided, single submitter. Criteria: Invitae Variant Classification Sherloc (09022015). Collection method: clinical testing. Allele origin: germline.
Comment: For these reasons, this variant has been classified as Pathogenic. ClinVar contains an entry for this variant (Variation ID: 1451554). This variant has not been reported in the literature in individuals affected with ZFYVE26-related conditions. This variant is not present in population databases (gnomAD no frequency). This sequence change creates a premature translational stop signal (p.Ser1816Tyrfs*14) in the ZFYVE26 gene. It is expected to result in an absent or disrupted protein product. Loss-of-function variants in ZFYVE26 are known to be pathogenic (PMID: 18394578, 19805727).

Literature cited by the submitters: PubMed 18394578; PubMed 19805727.

NM_015346.4(ZFYVE26):c.5442_5443del (p.Ser1816fs)

Gene: ZFYVE26 (zinc finger FYVE-type containing 26; minus strand). Cytogenetic location: 14q24.1.
Variant type: Deletion.
Coding change: c.5442_5443del on transcript NM_015346.4 (MANE Select); coding-DNA positions 5442 to 5443, 2 bases deleted (TG; older notation c.5442_5443delTG).
Protein change: p.Ser1816fs; shifts the reading frame from serine 1816.
Molecular consequence: frameshift variant.
Genome position (GRCh38, 1-based): chr14:67,772,088-67,772,089, CA deleted on the plus strand (TG on the coding strand, the reverse complement: ZFYVE26 is on the minus strand). VCF-style (leftmost placement, unchanged base first): chr14-67772087-TCA-T. GRCh37 (hg19) VCF-style: chr14-68238804-TCA-T.
Other names: short protein forms S1816fs.
Identifiers: ClinVar variation 1451554 (VCV001451554.6), dbSNP rs2140207359, ClinGen allele CA2573150118.
Genomic context (GRCh38, chr14:67,772,087, plus strand): 5'-TGGAGACCGATGCTGCTTACCATGGTGAAGTGCTCCCTGCAGCAGACCATGCAGATACTC[TCA>T]GTCTCATCCGGTACCCACTGGTGCCTGGCAGGGGGTGTCGCTGGGGGCACAAATTCCTGT-3'